The following is an entry in ClinVar:

ClinVar aggregate classification (germline): Pathogenic (1 of 4 stars; one submission).

Submission:

Labcorp Genetics (formerly Invitae), Labcorp
Classification: Pathogenic. Last evaluated: 2020-07-20. Review status: criteria provided, single submitter. Criteria: Invitae Variant Classification Sherloc (09022015). Collection method: clinical testing. Allele origin: germline.
Comment: For these reasons, this variant has been classified as Pathogenic. Loss-of-function variants in AHDC1 are known to be pathogenic (PMID: 24791903, 27148574). This variant has been observed in individual(s) with clinical features of Xia-Gibbs syndrome (Invitae). This variant is not present in population databases (ExAC no frequency). This sequence change creates a premature translational stop signal (p.Pro449Argfs*67) in the AHDC1 gene. It is expected to result in an absent or disrupted protein product.

Literature cited by the submitters: PubMed 24791903; PubMed 27148574.

NM_001371928.1(AHDC1):c.1346_1347del (p.Pro449fs)

Gene: AHDC1 (AT-hook DNA binding motif containing 1; minus strand). Cytogenetic location: 1p36.11.
Variant type: Deletion.
Coding change: c.1346_1347del on transcript NM_001371928.1 (MANE Select); coding-DNA positions 1346 to 1347, 2 bases deleted (CA; older notation c.1346_1347delCA).
Protein change: p.Pro449fs; shifts the reading frame from proline 449.
Molecular consequence: frameshift variant.
Genome position (GRCh38, 1-based): chr1:27,550,769-27,550,770, TG deleted on the plus strand (CA on the coding strand, the reverse complement: AHDC1 is on the minus strand). VCF-style (leftmost placement, unchanged base first): chr1-27550768-CTG-C. GRCh37 (hg19) VCF-style: chr1-27877279-CTG-C.
Other names: c.1346_1347del, p.Pro449fs (NM_001029882.3); short protein forms P449fs.
Identifiers: ClinVar variation 1068817 (VCV001068817.9), dbSNP rs2148286911, ClinGen allele CA2499214688.